The following is an entry in ClinVar:

ClinVar aggregate classification (germline): Uncertain significance (1 of 4 stars; one submission).

Conditions:
Autosomal dominant hypocalcemia 1 (HYPOC1). Also called: HYPOCALCEMIA, FAMILIAL. Identifiers: MedGen C3715128, MONDO:0011013, OMIM 601198.
Familial hypocalciuric hypercalcemia (FHH). Also called: Familial benign hypercalcemia. Identifiers: Orphanet 405, MedGen C1809471, MONDO:0018458.

Submission:

Labcorp Genetics (formerly Invitae), Labcorp
Classification: Uncertain significance for Familial hypocalciuric hypercalcemia; Autosomal dominant hypocalcemia 1. Last evaluated: 2020-09-09. Review status: criteria provided, single submitter. Criteria: Invitae Variant Classification Sherloc (09022015). Collection method: clinical testing. Allele origin: germline.
Comment: In summary, the available evidence is currently insufficient to determine the role of this variant in disease. Therefore, it has been classified as a Variant of Uncertain Significance. Algorithms developed to predict the effect of sequence changes on RNA splicing suggest that this variant may create or strengthen a splice site, but this prediction has not been confirmed by published transcriptional studies. This variant has not been reported in the literature in individuals with CASR-related conditions. This variant is not present in population databases (ExAC no frequency). This variant, c.2840_2860dup, results in the insertion of 7 amino acid(s) to the CASR protein (p.Pro947_Gln953dup), but otherwise preserves the integrity of the reading frame.

NM_000388.4(CASR):c.2840_2860dup (p.Pro947_Gln953dup)

Gene: CASR (calcium sensing receptor; plus strand). Cytogenetic location: 3q21.1.
Variant type: Duplication.
Coding change: c.2840_2860dup on transcript NM_000388.4 (MANE Select); coding-DNA positions 2840 to 2860, 21 bases duplicated (CCCTGACCCTCCCACAGCAGC).
Protein change: p.Pro947_Gln953dup.
Molecular consequence: inframe insertion.
Genome position (GRCh38, 1-based): chr3:122,284,794-122,284,814, CCCTGACCCTCCCACAGCAGC duplicated; duplicating any 21 consecutive bases within chr3:122,284,787-122,284,814 gives the same sequence; the c. name uses the placement nearest the transcript's 3' end. VCF-style (leftmost placement, unchanged base first): chr3-122284786-G-GCAGCAGCCCCTGACCCTCCCA. GRCh37 (hg19) VCF-style: chr3-122003633-G-GCAGCAGCCCCTGACCCTCCCA.
Other names: c.2870_2890dup, p.Pro957_Gln963dup (NM_001178065.2).
Identifiers: ClinVar variation 837441 (VCV000837441.10), dbSNP rs2074946815, ClinGen allele CA916082595.
Genomic context (GRCh38, chr3:122,284,786, plus strand): 5'-CCCACAGCCCGAGAGGCAGAAGCAGCAGCAGCCGCTGGCCCTAACCCAGCAAGAGCAGCA[G>GCAGCAGCCCCTGACCCTCCCA]CAGCAGCCCCTGACCCTCCCACAGCAGCAACGATCTCAGCAGCAGCCCAGATGCAAGCAG-3'